The following is an entry in ClinVar:

ClinVar aggregate classification (germline): Uncertain significance (1 of 4 stars; one submission).

Submission:

ISCA site 14
Classification: Uncertain significance. Last evaluated: 2011-08-12. Review status: criteria provided, single submitter. Criteria: Kaminsky et al. (Genet Med. 2011). Collection method: clinical testing. Allele origin: maternal. Affected: yes. Observed: 1 variant allele.
Comment: Copy number variation identified through the course of routine clinical cytogenomic testing in postnatal populations. Clinical assertions have been curated as described in Kaminsky et al. 2011.

GRCh38/hg38 7p12.1-11.2(chr7:53450330-56107195)x3

Genes: CCT6A (chaperonin containing TCP1 subunit 6A; plus strand), CHCHD2 (coiled-coil-helix-coiled-coil-helix domain containing 2; minus strand), EGFR (epidermal growth factor receptor; plus strand), EGFR-AS1 (EGFR antisense RNA 1; minus strand), ELDR (EGFR long non-coding downstream RNA; minus strand) and 91 more. Cytogenetic location: 7p12.1-11.2.
Variant type: copy number gain.
Change: copy number 3 (three copies instead of two) of chr7:53,450,330-56,107,195 (2.66 Mb, GRCh38 coordinates, 1-based), cytogenetic band 7p12.1-11.2.
Identifiers: ClinVar variation 59597 (VCV000059597.1).